The following is an entry in ClinVar:

ClinVar aggregate classification (germline): Uncertain significance (1 of 4 stars; one submission).

Allele frequency attached by ClinVar (database versions not stated): TOPMed below 0.00001.

Submission:

Labcorp Genetics (formerly Invitae), Labcorp
Classification: Uncertain significance. Last evaluated: 2023-04-10. Review status: criteria provided, single submitter. Criteria: Invitae Variant Classification Sherloc (09022015). Collection method: clinical testing. Allele origin: germline.
Comment: This sequence change replaces arginine, which is basic and polar, with cysteine, which is neutral and slightly polar, at codon 419 of the GCGR protein (p.Arg419Cys). The frequency data for this variant in the population databases is considered unreliable, as metrics indicate poor data quality at this position in the gnomAD database. This variant has not been reported in the literature in individuals affected with GCGR-related conditions. An algorithm developed to predict the effect of missense changes on protein structure and function (PolyPhen-2) suggests that this variant is likely to be disruptive. In summary, the available evidence is currently insufficient to determine the role of this variant in disease. Therefore, it has been classified as a Variant of Uncertain Significance.

NM_000160.5(GCGR):c.1255C>T (p.Arg419Cys)

Gene: GCGR (glucagon receptor; plus strand). Cytogenetic location: 17q25.3.
Variant type: single nucleotide variant.
Coding change: c.1255C>T on transcript NM_000160.5 (MANE Select); coding-DNA position 1255, C replaced by T.
Protein change: p.Arg419Cys; replaces arginine 419 with cysteine.
Molecular consequence: missense variant.
Genome position (GRCh38, 1-based): chr17:81,813,510, C>T. VCF-style: chr17-81813510-C-T. GRCh37 (hg19) VCF-style: chr17-79771386-C-T.
Other names: short protein forms R419C.
Identifiers: ClinVar variation 2971274 (VCV002971274.3), dbSNP rs558491682, ClinGen allele CA295102396.
Genomic context (GRCh38, chr17:81,813,510, plus strand): 5'-GGCCTGCCCCGTCCCCCTCCCCAGGTGCAGTCGGAGCTGCGGCGGCGTTGGCACCGCTGG[C>T]GCCTGGGCAAAGTGCTATGGGAGGAGCGGAACACCAGCAACCACAGGGCCTCATCTTCGC-3'
Protein context (NP_000151.1, residues 409-429): SELRRRWHRW[Arg419Cys]LGKVLWEERN